The following is an entry in ClinVar:

ClinVar aggregate classification (germline): Conflicting classifications of pathogenicity. Review status: criteria provided, conflicting classifications (1 of 4 stars). 5 submissions from 5 submitters: Uncertain significance (2); Likely benign (3). Last evaluated 2024-06-05.

Conditions:
Genetic developmental and epileptic encephalopathy. Identifiers: MedGen CN379639, MONDO:0100062.
Rolandic epilepsy, impaired intellectual development, and speech dyspraxia, X-linked. Also called: Rolandic epilepsy, intellectual disability, and speech dyspraxia, X-linked; Rolandic epilepsy, impaired intellectual development, and speech dyspraxia. Identifiers: MedGen C1845070, MONDO:0010388, OMIM 300643.

Allele frequency attached by ClinVar (database versions not stated): ESP Exome Variant Server 0.00047; TOPMed 0.00038.

Submissions (5):

Blueprint Genetics
Classification: Likely benign. Last evaluated: 2024-06-05. Review status: criteria provided, single submitter. Criteria: ACMG Guidelines, 2015. Collection method: clinical testing. Allele origin: germline.

Labcorp Genetics (formerly Invitae), Labcorp
Classification: Uncertain significance for Rolandic epilepsy, impaired intellectual development, and speech dyspraxia, X-linked. Last evaluated: 2020-04-02. Review status: criteria provided, single submitter. Criteria: Invitae Variant Classification Sherloc (09022015). Collection method: clinical testing. Allele origin: germline.
Comment: Algorithms developed to predict the effect of missense changes on protein structure and function output the following: SIFT: "Tolerated"; PolyPhen-2: "Benign"; Align-GVGD: "Class C0". The glutamine amino acid residue is found in multiple mammalian species, suggesting that this missense change does not adversely affect protein function. These predictions have not been confirmed by published functional studies and their clinical significance is uncertain. This variant has not been reported in the literature in individuals with SRPX2-related disease. ClinVar contains an entry for this variant (Variation ID: 95601). This variant is present in population databases (rs200784551, ExAC 0.06%), and has an allele count higher than expected for a pathogenic variant (PMID: 28166811). This sequence change replaces arginine with glutamine at codon 202 of the SRPX2 protein (p.Arg202Gln). The arginine residue is highly conserved and there is a small physicochemical difference between arginine and glutamine. In summary, the available evidence is currently insufficient to determine the role of this variant in disease. Therefore, it has been classified as a Variant of Uncertain Significance.

Cambridge Genomics Laboratory, East Genomic Laboratory Hub, NHS Genomic Medicine Service
Classification: Likely benign for Genetic developmental and epileptic encephalopathy. Last evaluated: 2019-09-03. Review status: criteria provided, single submitter. Criteria: ACGS Best Practice Guidelines for Variant Classification in Rare Disease 2020. Collection method: clinical testing. Allele origin: germline. Affected: yes. Observed: 1 variant allele.

GeneDx
Classification: Likely benign. Last evaluated: 2015-10-14. Review status: criteria provided, single submitter. Criteria: GeneDx Variant Classification (06012015). Collection method: clinical testing. Allele origin: germline. Affected: yes.
Comment: This variant is considered likely benign or benign based on one or more of the following criteria: it is a conservative change, it occurs at a poorly conserved position in the protein, it is predicted to be benign by multiple in silico algorithms, and/or has population frequency not consistent with disease.

Eurofins Ntd Llc (ga)
Classification: Uncertain significance. Last evaluated: 2013-05-13. Review status: criteria provided, single submitter. Criteria: EGL Classification Definitions 2015. Collection method: clinical testing. Allele origin: germline. Observed: 1 variant allele, 1 hemizygote.

Literature cited by the submitters: PubMed 28166811 (cited by Labcorp Genetics (formerly Invitae), Labcorp).

NM_014467.3(SRPX2):c.605G>A (p.Arg202Gln)

Gene: SRPX2 (sushi repeat containing protein X-linked 2; plus strand). Cytogenetic location: Xq22.1.
Variant type: single nucleotide variant.
Coding change: c.605G>A on transcript NM_014467.3 (MANE Select); coding-DNA position 605, G replaced by A.
Protein change: p.Arg202Gln; replaces arginine 202 with glutamine.
Molecular consequence: missense variant.
Genome position (GRCh38, 1-based): chrX:100,665,315, G>A. VCF-style: chrX-100665315-G-A. GRCh37 (hg19) VCF-style: chrX-99920312-G-A.
Other names: p.R202Q:CGA>CAA; short protein forms R202Q.
Identifiers: ClinVar variation 95601 (VCV000095601.16), dbSNP rs200784551, ClinGen allele CA223142.
Genomic context (GRCh38, chrX:100,665,315, plus strand): 5'-CCAAGATCCGCTGTCCCCACTCACGTGAGAAGATGGCAGAGCCAGAGAAATTGACTGCTC[G>A]AGTATACTGGGACCCACCGTTGGTGAAAGATTCTGCTGATGGTACCATCACCAGGTGAGC-3'
Protein context (NP_055282.1, residues 192-212): KMAEPEKLTA[Arg202Gln]VYWDPPLVKD